The following is an entry in ClinVar:

ClinVar aggregate classification (germline): Uncertain significance (1 of 4 stars; one submission).

Conditions:
Cardiovascular phenotype. Identifiers: MedGen CN230736.

Allele frequency attached by ClinVar (database versions not stated): gnomAD exomes below 0.00001.
gnomAD v4.1: 1 of 1,550,344 alleles (0.000065%); highest among the groups gnomAD compares: Non-Finnish European, 0.000087%; no homozygotes.

Submission:

Ambry Genetics
Classification: Uncertain significance for Cardiovascular phenotype. Last evaluated: 2020-12-08. Review status: criteria provided, single submitter. Criteria: Ambry Variant Classification Scheme 2023. Collection method: clinical testing. Allele origin: germline.
Comment: The p.A2207T variant (also known as c.6619G>A), located in coding exon 2 of the ZNF469 gene, results from a G to A substitution at nucleotide position 6619. The alanine at codon 2207 is replaced by threonine, an amino acid with similar properties. This amino acid position is poorly conserved in available vertebrate species. In addition, this alteration is predicted to be tolerated by in silico analysis. Since supporting evidence is limited at this time, the clinical significance of this alteration remains unclear.

NM_001367624.2(ZNF469):c.6703G>A (p.Ala2235Thr)

Gene: ZNF469 (zinc finger protein 469; plus strand). Cytogenetic location: 16q24.2.
Variant type: single nucleotide variant.
Coding change: c.6703G>A on transcript NM_001367624.2 (MANE Select); coding-DNA position 6703, G replaced by A.
Protein change: p.Ala2235Thr; replaces alanine 2235 with threonine.
Molecular consequence: missense variant.
Genome position (GRCh38, 1-based): chr16:88,434,173, G>A. VCF-style: chr16-88434173-G-A. GRCh37 (hg19) VCF-style: chr16-88500581-G-A.
Other names: NM_001127464.1:c.6619G>A; short protein forms A2235T.
Identifiers: ClinVar variation 1754499 (VCV001754499.2), dbSNP rs2507594264, ClinGen allele CA397106566.